The following is an entry in ClinVar:

NM_001382567.1(STIM1):c.1196G>A (p.Ser399Asn)

Gene: STIM1 (stromal interaction molecule 1; plus strand). Cytogenetic location: 11p15.4.
Variant type: single nucleotide variant.
Coding change: c.1196G>A on transcript NM_001382567.1 (MANE Select); coding-DNA position 1196, G replaced by A.
Protein change: p.Ser399Asn; replaces serine 399 with asparagine.
Molecular consequence: missense variant. On other transcripts: non-coding transcript variant (2).
Genome position (GRCh38, 1-based): chr11:4,082,940, G>A. VCF-style: chr11-4082940-G-A. GRCh37 (hg19) VCF-style: chr11-4104170-G-A.
Other names: c.1196G>A, p.Ser399Asn (NM_001277961.3, NM_001277962.2, NM_001382568.1 and 1 more transcripts); c.974G>A, p.Ser325Asn (NM_001382566.1, NM_001382573.1, NM_001382575.1 and 4 more transcripts); c.1061G>A, p.Ser354Asn (NM_001382569.1); c.1196G>A (NM_003156.3); c.968G>A, p.Ser323Asn (NM_001382570.1); c.716G>A, p.Ser239Asn (NM_001382571.1); c.707G>A, p.Ser236Asn (NM_001382580.1, NM_001382581.1); short protein forms S354N, S236N, S239N, S325N, S399N, S323N.
Identifiers: ClinVar variation 1410971 (VCV001410971.7), dbSNP rs2094473055, ClinGen allele CA379193786.

ClinVar aggregate classification (germline): Uncertain significance. Review status: criteria provided, multiple submitters, no conflicts (2 of 4 stars). 2 submissions from 2 submitters: Uncertain significance (2). Last evaluated 2025-12-02.

Conditions:
Inborn genetic diseases. Identifiers: MedGen C0950123, MeSH D030342.
Myopathy with tubular aggregates (TAM). Also called: Tubular Aggregate Myopathy. Identifiers: Orphanet 2593, MedGen C0410207, MONDO:0008051.
Stormorken syndrome (STRMK). Also called: THROMBOCYTOPATHY, ASPLENIA, AND MIOSIS. Identifiers: Orphanet 3204, MedGen C1861451, MONDO:0008497, OMIM 185070.
Combined immunodeficiency due to STIM1 deficiency. Also called: IMMUNODEFICIENCY 10; STIM1 DEFICIENCY. Identifiers: Orphanet 169090, Orphanet 317430, MedGen C2748557, MONDO:0013008, OMIM 612783.

Submissions (2):

Ambry Genetics
Classification: Uncertain significance for Inborn genetic diseases. Last evaluated: 2025-12-02. Review status: criteria provided, single submitter. Criteria: Ambry Variant Classification Scheme 2023. Collection method: clinical testing. Allele origin: germline.

Labcorp Genetics (formerly Invitae), Labcorp
Classification: Uncertain significance for Myopathy with tubular aggregates; Combined immunodeficiency due to STIM1 deficiency; Stormorken syndrome. Last evaluated: 2023-01-05. Review status: criteria provided, single submitter. Criteria: Invitae Variant Classification Sherloc (09022015). Collection method: clinical testing. Allele origin: germline.
Comment: This sequence change replaces serine, which is neutral and polar, with asparagine, which is neutral and polar, at codon 399 of the STIM1 protein (p.Ser399Asn). This variant is not present in population databases (gnomAD no frequency). This variant has not been reported in the literature in individuals affected with STIM1-related conditions. ClinVar contains an entry for this variant (Variation ID: 1410971). Advanced modeling of protein sequence and biophysical properties (such as structural, functional, and spatial information, amino acid conservation, physicochemical variation, residue mobility, and thermodynamic stability) has been performed at Invitae for this missense variant, however the output from this modeling did not meet the statistical confidence thresholds required to predict the impact of this variant on STIM1 protein function. In summary, the available evidence is currently insufficient to determine the role of this variant in disease. Therefore, it has been classified as a Variant of Uncertain Significance.